The following is an entry in ClinVar:

NC_000010.10:g.(?_104352329)_(104377195_?)dup

Gene: SUFU (SUFU negative regulator of hedgehog signaling; plus strand). Cytogenetic location: 10q24.32.
Variant type: Duplication.
Identifiers: ClinVar variation 1520839 (VCV001520839.7).

ClinVar aggregate classification (germline): Likely pathogenic (1 of 4 stars; one submission).

Conditions:
Gorlin syndrome. Also called: Basal cell nevus syndrome; Nevoid Basal Cell Carcinoma Syndrome. Identifiers: Orphanet 377, MedGen C0004779, MONDO:0007187.
Medulloblastoma (MDB). Also called: MEDULLOBLASTOMA PREDISPOSITION SYNDROME; Medulloblastoma, somatic. Identifiers: Orphanet 616, MedGen C0025149, MeSH D008527, MONDO:0007959, OMIM 155255, HP:0002885.

Submission:

Labcorp Genetics (formerly Invitae), Labcorp
Classification: Likely pathogenic for Gorlin syndrome; Medulloblastoma. Last evaluated: 2021-06-21. Review status: criteria provided, single submitter. Criteria: Invitae Variant Classification Sherloc (09022015). Collection method: clinical testing. Allele origin: germline.
Comment: In summary, the currently available evidence indicates that the variant is pathogenic, but additional data are needed to prove that conclusively. Therefore, this variant has been classified as Likely Pathogenic. This variant has not been reported in the literature in individuals affected with SUFU-related conditions. This variant results in a copy number gain of the genomic region encompassing exon(s) 4-10 of the SUFU gene. While the exact position of this variant cannot be determined from the data, sub-genic copy number gains are generally in tandem (PMID: 25640679). This variant is predicted to be out-of-frame, and may result in an absent or disrupted protein product. Loss-of-function variants in SUFU are known to be pathogenic (PMID: 22508808, 25403219).

Literature cited by the submitters: PubMed 25640679; PubMed 22508808; PubMed 25403219.